The following is an entry in ClinVar:

ClinVar aggregate classification (germline): Benign/Likely benign. Review status: criteria provided, multiple submitters, no conflicts (2 of 4 stars). 2 submissions from 2 submitters: Benign (1); Likely benign (1). Last evaluated 2024-11-05.

Conditions:
Wolfram syndrome 1 (WFS1). Identifiers: Orphanet 3463, MedGen C4551693, MONDO:0009101, OMIM 222300.

Allele frequency attached by ClinVar (database versions not stated): gnomAD exomes below 0.00001; TOPMed 0.00001; gnomAD 0.00003.
gnomAD v4.1: 22 of 1,614,030 alleles (0.0014%); highest among the groups gnomAD compares: Non-Finnish European, 0.0018%; no homozygotes.

Submissions (2):

Labcorp Genetics (formerly Invitae), Labcorp
Classification: Likely benign. Last evaluated: 2024-11-05. Review status: criteria provided, single submitter. Criteria: Invitae Variant Classification Sherloc (09022015). Collection method: clinical testing. Allele origin: germline.

Clinical Genomics, Uppaluri K&H Personalized Medicine Clinic
Classification: Benign for Wolfram syndrome 1. Review status: criteria provided, single submitter. Criteria: K & H Uppaluri Personalized Medicine Clinic Variant Classification & Assertion Criteria_Updated V.1. Collection method: research. Allele origin: unknown. Inheritance: Autosomal recessive inheritance.
Comment: Potent mutations in WFS1 gene are associated with Wolfram's syndrome, an autosomal recessive condition, which cause diabetes mellitus, diabetes insipidus, deafness and optic atrophy. However no sufficient evidence is found to ascertain the role of this particular variant rs1224321509 in Wolfram's syndrome yet.

Literature cited by the submitters: PubMed 20738327 (cited by Clinical Genomics, Uppaluri K&H Personalized Medicine Clinic); PubMed 33879153 (cited by Clinical Genomics, Uppaluri K&H Personalized Medicine Clinic); PubMed 12955714 (cited by Clinical Genomics, Uppaluri K&H Personalized Medicine Clinic); PubMed 18060660 (cited by Clinical Genomics, Uppaluri K&H Personalized Medicine Clinic); PubMed 20301750 (cited by Clinical Genomics, Uppaluri K&H Personalized Medicine Clinic); PubMed 17603484 (cited by Clinical Genomics, Uppaluri K&H Personalized Medicine Clinic).

NM_006005.3(WFS1):c.1824G>A (p.Leu608=)

Gene: WFS1 (wolframin ER transmembrane glycoprotein; plus strand). Cytogenetic location: 4p16.1.
Variant type: single nucleotide variant.
Coding change: c.1824G>A on transcript NM_006005.3 (MANE Select); coding-DNA position 1824, G replaced by A.
Protein change: p.Leu608=; no amino-acid change (leucine 608 retained).
Molecular consequence: synonymous variant.
Genome position (GRCh38, 1-based): chr4:6,301,619, G>A. VCF-style: chr4-6301619-G-A. GRCh37 (hg19) VCF-style: chr4-6303346-G-A.
Other names: c.1824G>A, p.Leu608= (NM_001145853.1).
Identifiers: ClinVar variation 733317 (VCV000733317.8), dbSNP rs1224321509, ClinGen allele CA438368448.